The following is an entry in ClinVar:

ClinVar aggregate classification (germline): Uncertain significance. Review status: criteria provided, multiple submitters, no conflicts (2 of 4 stars). 3 submissions from 3 submitters: Uncertain significance (3). Last evaluated 2022-10-13.

Conditions:
Inborn genetic diseases. Identifiers: MedGen C0950123, MeSH D030342.
Biotinidase deficiency. Also called: Biotin deficiency; BTD deficiency; Late-onset biotin-responsive multiple carboxylase deficiency. Identifiers: Orphanet 79241, MedGen C0220754, MONDO:0009665, OMIM 253260.

Allele frequency attached by ClinVar (database versions not stated): gnomAD exomes 0.00001 and 0.00003; ESP Exome Variant Server 0.00008; gnomAD 0.00015 and 0.00017; ExAC 0.00006; TOPMed 0.00017.
gnomAD v4.1: 34 of 1,614,166 alleles (0.0021%); highest among the groups gnomAD compares: African/African-American, 0.041%; no homozygotes.

Submissions (3):

Labcorp Genetics (formerly Invitae), Labcorp
Classification: Uncertain significance for Biotinidase deficiency. Last evaluated: 2022-10-13. Review status: criteria provided, single submitter. Criteria: Invitae Variant Classification Sherloc (09022015). Collection method: clinical testing. Allele origin: germline.
Comment: This sequence change replaces valine, which is neutral and non-polar, with alanine, which is neutral and non-polar, at codon 457 of the BTD protein (p.Val457Ala). This variant is present in population databases (rs149690919, gnomAD 0.05%). This variant has not been reported in the literature in individuals affected with BTD-related conditions. ClinVar contains an entry for this variant (Variation ID: 92398). Algorithms developed to predict the effect of missense changes on protein structure and function output the following: SIFT: "Tolerated"; PolyPhen-2: "Benign"; Align-GVGD: "Class C0". The alanine amino acid residue is found in multiple mammalian species, which suggests that this missense change does not adversely affect protein function. This variant disrupts the p.Val457 amino acid residue in BTD. Other variant(s) that disrupt this residue have been determined to be pathogenic (PMID: 9396567, 28281033). This suggests that this residue is clinically significant, and that variants that disrupt this residue are likely to be disease-causing. In summary, the available evidence is currently insufficient to determine the role of this variant in disease. Therefore, it has been classified as a Variant of Uncertain Significance.

Ambry Genetics
Classification: Uncertain significance for Inborn genetic diseases. Last evaluated: 2022-05-20. Review status: criteria provided, single submitter. Criteria: Ambry Variant Classification Scheme 2023. Collection method: clinical testing. Allele origin: germline.

Eurofins Ntd Llc (ga)
Classification: Uncertain significance. Last evaluated: 2013-07-30. Review status: criteria provided, single submitter. Criteria: EGL Classification Definitions 2015. Collection method: clinical testing. Allele origin: germline. Observed: 2 variant alleles, 2 heterozygotes.

Literature cited by the submitters: PubMed 9396567 (cited by Labcorp Genetics (formerly Invitae), Labcorp); PubMed 28281033 (cited by Labcorp Genetics (formerly Invitae), Labcorp).

NM_001370658.1(BTD):c.1310T>C (p.Val437Ala)

Gene: BTD (biotinidase; plus strand). Cytogenetic location: 3p25.1.
Variant type: single nucleotide variant.
Coding change: c.1310T>C on transcript NM_001370658.1 (MANE Select); coding-DNA position 1310, T replaced by C.
Protein change: p.Val437Ala; replaces valine 437 with alanine.
Molecular consequence: missense variant. On other transcripts: intron variant (2).
Genome position (GRCh38, 1-based): chr3:15,645,226, T>C. VCF-style: chr3-15645226-T-C. GRCh37 (hg19) VCF-style: chr3-15686733-T-C.
Other names: c.1310T>C, p.Val437Ala (NM_001407372.1, NM_001407373.1, NM_001407374.1 and 16 more transcripts); c.1015+295T>C (NM_001370752.1); c.399+3169T>C (NM_001370753.1); c.1370T>C, p.Val457Ala (NM_000060.4); short protein forms V437A.
Identifiers: ClinVar variation 92398 (VCV000092398.9), dbSNP rs149690919, ClinGen allele CA220315.